The following is an entry in ClinVar:

ClinVar aggregate classification (germline): Conflicting classifications of pathogenicity. Review status: criteria provided, conflicting classifications (1 of 4 stars). 2 submissions from 2 submitters: Uncertain significance (1); Likely benign (1). Last evaluated 2024-09-20.

Conditions:
Cardiovascular phenotype. Identifiers: MedGen CN230736.

Allele frequency attached by ClinVar (database versions not stated): gnomAD 0.00001; gnomAD exomes 0.00002; TOPMed 0.00002; ExAC 0.00003.

Submissions (2):

Ambry Genetics
Classification: Likely benign for Cardiovascular phenotype. Last evaluated: 2024-09-20. Review status: criteria provided, single submitter. Criteria: Ambry Variant Classification Scheme 2023. Collection method: clinical testing. Allele origin: germline.

Labcorp Genetics (formerly Invitae), Labcorp
Classification: Uncertain significance. Last evaluated: 2021-05-17. Review status: criteria provided, single submitter. Criteria: Invitae Variant Classification Sherloc (09022015). Collection method: clinical testing. Allele origin: germline.
Comment: In summary, the available evidence is currently insufficient to determine the role of this variant in disease. Therefore, it has been classified as a Variant of Uncertain Significance. Algorithms developed to predict the effect of missense changes on protein structure and function are either unavailable or do not agree on the potential impact of this missense change (SIFT: "Deleterious"; PolyPhen-2: "Benign"; Align-GVGD: "Class C35"). This variant has not been reported in the literature in individuals with EPHB4-related conditions. This variant is present in population databases (rs778891426, ExAC 0.005%). This sequence change replaces arginine with glutamine at codon 917 of the EPHB4 protein (p.Arg917Gln). The arginine residue is highly conserved and there is a small physicochemical difference between arginine and glutamine.

NM_004444.5(EPHB4):c.2750G>A (p.Arg917Gln)

Gene: EPHB4 (EPH receptor B4; minus strand). Cytogenetic location: 7q22.1.
Variant type: single nucleotide variant.
Coding change: c.2750G>A on transcript NM_004444.5 (MANE Select); coding-DNA position 2750, G replaced by A.
Protein change: p.Arg917Gln; replaces arginine 917 with glutamine.
Molecular consequence: missense variant.
Genome position (GRCh38, 1-based): chr7:100,805,250, C>T on the plus strand (G>A on the coding strand, the complement: EPHB4 is on the minus strand). VCF-style: chr7-100805250-C-T. GRCh37 (hg19) VCF-style: chr7-100402872-C-T.
Other names: c.2750G>A (NM_004444.4); short protein forms R917Q.
Identifiers: ClinVar variation 1503630 (VCV001503630.9), dbSNP rs778891426, ClinGen allele CA4392533.